The following is an entry in ClinVar:

NM_020964.3(EPG5):c.6215C>G (p.Ala2072Gly)

Gene: EPG5 (ectopic P-granules 5 autophagy tethering factor; minus strand). Cytogenetic location: 18q12.3.
Variant type: single nucleotide variant.
Coding change: c.6215C>G on transcript NM_020964.3 (MANE Select); coding-DNA position 6215, C replaced by G.
Protein change: p.Ala2072Gly; replaces alanine 2072 with glycine.
Molecular consequence: missense variant.
Genome position (GRCh38, 1-based): chr18:45,870,577, G>C on the plus strand (C>G on the coding strand, the complement: EPG5 is on the minus strand). VCF-style: chr18-45870577-G-C. GRCh37 (hg19) VCF-style: chr18-43450542-G-C.
Other names: c.6215C>G, p.Ala2072Gly (LRG_1234t1); short protein forms A2072G.
Identifiers: ClinVar variation 647558 (VCV000647558.8), dbSNP rs764464544, ClinGen allele CA8948348.

ClinVar aggregate classification (germline): Uncertain significance. Review status: criteria provided, multiple submitters, no conflicts (2 of 4 stars). 2 submissions from 2 submitters: Uncertain significance (2). Last evaluated 2024-01-29.

Conditions:
Vici syndrome (VICIS). Identifiers: Orphanet 1493, MedGen C1855772, MONDO:0009452, OMIM 242840.
Inborn genetic diseases. Identifiers: MedGen C0950123, MeSH D030342.

Allele frequency attached by ClinVar (database versions not stated): gnomAD exomes 0.00004; gnomAD 0.00005; ExAC 0.00006; TOPMed 0.00006.
gnomAD v4.1: 59 of 1,612,354 alleles (0.0037%); highest among the groups gnomAD compares: Middle Eastern, 0.082%; no homozygotes.

Submissions (2):

Labcorp Genetics (formerly Invitae), Labcorp
Classification: Uncertain significance for Vici syndrome. Last evaluated: 2024-01-29. Review status: criteria provided, single submitter. Criteria: Invitae Variant Classification Sherloc (09022015). Collection method: clinical testing. Allele origin: germline.
Comment: This sequence change replaces alanine, which is neutral and non-polar, with glycine, which is neutral and non-polar, at codon 2072 of the EPG5 protein (p.Ala2072Gly). This variant is present in population databases (rs764464544, gnomAD 0.008%). This variant has not been reported in the literature in individuals affected with EPG5-related conditions. ClinVar contains an entry for this variant (Variation ID: 647558). Advanced modeling of protein sequence and biophysical properties (such as structural, functional, and spatial information, amino acid conservation, physicochemical variation, residue mobility, and thermodynamic stability) performed at Invitae indicates that this missense variant is not expected to disrupt EPG5 protein function with a negative predictive value of 80%. In summary, the available evidence is currently insufficient to determine the role of this variant in disease. Therefore, it has been classified as a Variant of Uncertain Significance.

Ambry Genetics
Classification: Uncertain significance for Inborn genetic diseases. Last evaluated: 2022-09-07. Review status: criteria provided, single submitter. Criteria: Ambry Variant Classification Scheme 2023. Collection method: clinical testing. Allele origin: germline.